The following is an entry in ClinVar:

ClinVar aggregate classification (germline): Pathogenic (0 of 4 stars; one submission).

Conditions:
X-linked agammaglobulinemia (XLA). Also called: Bruton's agammaglobulinemia; AGAMMAGLOBULINEMIA, X-LINKED, TYPE 1; IMMUNODEFICIENCY 1; Agammaglobulinemia, Bruton tyrosine kinase; Agammaglobulinemia, BTK; BTK-deficiency. Identifiers: Orphanet 229717, Orphanet 47, MedGen C0221026, MONDO:0010421, OMIM 300755.

Submission:

Institutes for Systems Genetics, West China Hospital, Sichuan University
Classification: Pathogenic for X-linked agammaglobulinemia. Last evaluated: 2024-08-22. Review status: no assertion criteria provided. Collection method: clinical testing. Allele origin: maternal. Affected: yes.
Comment: The variant NC_000023.11:g.101354634A>G (NM_000061.3: c.1627T>C, NP_000052.1: p.Ser543Pro) is a missense variant located in the activation loop of BTK. This variant is not recorded in gnomAD and is predicted to be pathogenic, deleterious, or probably damaging by various bioinformatics tools. In summary, this variant represents an additional BTK mutation site associated with XLA

NM_000061.3(BTK):c.1627T>C (p.Ser543Pro)

Gene: BTK (Bruton tyrosine kinase; minus strand). Cytogenetic location: Xq22.1.
Variant type: single nucleotide variant.
Coding change: c.1627T>C on transcript NM_000061.3 (MANE Select); coding-DNA position 1627, T replaced by C.
Protein change: p.Ser543Pro; replaces serine 543 with proline.
Molecular consequence: missense variant.
Genome position (GRCh38, 1-based): chrX:101,354,634, A>G on the plus strand (T>C on the coding strand, the complement: BTK is on the minus strand). VCF-style: chrX-101354634-A-G. GRCh37 (hg19) VCF-style: chrX-100609622-A-G.
Other names: c.1729T>C, p.Ser577Pro (NM_001287344.2); c.1099T>C, p.Ser367Pro (NM_001287345.2); short protein forms S367P, S543P, S577P.
Identifiers: ClinVar variation 3381216 (VCV003381216.1).
Genomic context (GRCh38, chrX:101,354,634, plus strand): 5'-GTTTCATACTGTGCTATTTTTACTTCTGGAGGGAAAGATGAAAAAGCCACACTCACCTGG[A>G]CAGGCCGAAATCAGATACTTTAACAACTCCTTGATCGTTTACCAAACAGTTTCGAGCTGC-3'
Protein context (NP_000052.1, residues 533-553): GVVKVSDFGL[Ser543Pro]RYVLDDEYTS